The following is an entry in ClinVar:

ClinVar aggregate classification (germline): Uncertain significance (1 of 4 stars; one submission).

Conditions:
Pallister-Hall syndrome (PHS). Also called: HYPOTHALAMIC HAMARTOBLASTOMA, HYPOPITUITARISM, IMPERFORATE ANUS, AND POSTAXIAL POLYDACTYLY; GLI3-Related Pallister-Hall Syndrome. Identifiers: Orphanet 672, MedGen C0265220, MONDO:0007804, OMIM 146510.
Greig cephalopolysyndactyly syndrome (GCPS). Also called: GLI3-Related Greig Cephalopolysyndactyly Syndrome; POLYSYNDACTYLY WITH PECULIAR SKULL SHAPE; Greig syndrome. Identifiers: Orphanet 380, MedGen C0265306, MONDO:0008287, OMIM 175700.

Submission:

Labcorp Genetics (formerly Invitae), Labcorp
Classification: Uncertain significance for Pallister-Hall syndrome; Greig cephalopolysyndactyly syndrome. Last evaluated: 2024-11-18. Review status: criteria provided, single submitter. Criteria: Invitae Variant Classification Sherloc (09022015). Collection method: clinical testing. Allele origin: germline.
Comment: This sequence change replaces threonine, which is neutral and polar, with asparagine, which is neutral and polar, at codon 277 of the GLI3 protein (p.Thr277Asn). This variant is not present in population databases (gnomAD no frequency). This variant has not been reported in the literature in individuals affected with GLI3-related conditions. Invitae Evidence Modeling of protein sequence and biophysical properties (such as structural, functional, and spatial information, amino acid conservation, physicochemical variation, residue mobility, and thermodynamic stability) indicates that this missense variant is not expected to disrupt GLI3 protein function with a negative predictive value of 95%. In summary, the available evidence is currently insufficient to determine the role of this variant in disease. Therefore, it has been classified as a Variant of Uncertain Significance.

NM_000168.6(GLI3):c.830C>A (p.Thr277Asn)

Gene: GLI3 (GLI family zinc finger 3; minus strand). Cytogenetic location: 7p14.1.
Variant type: single nucleotide variant.
Coding change: c.830C>A on transcript NM_000168.6 (MANE Select); coding-DNA position 830, C replaced by A.
Protein change: p.Thr277Asn; replaces threonine 277 with asparagine.
Molecular consequence: missense variant.
Genome position (GRCh38, 1-based): chr7:42,040,236, G>T on the plus strand (C>A on the coding strand, the complement: GLI3 is on the minus strand). VCF-style: chr7-42040236-G-T. GRCh37 (hg19) VCF-style: chr7-42079835-G-T.
Other names: short protein forms T277N.
Identifiers: ClinVar variation 3756020 (VCV003756020.2).